The following is an entry in ClinVar:

NM_001127671.2(LIFR):c.669C>A (p.Tyr223Ter)

Gene: LIFR (LIF receptor subunit alpha; minus strand). Cytogenetic location: 5p13.1.
Variant type: single nucleotide variant.
Coding change: c.669C>A on transcript NM_001127671.2 (MANE Select); coding-DNA position 669, C replaced by A.
Protein change: p.Tyr223Ter; replaces tyrosine 223 with a stop codon.
Molecular consequence: nonsense.
Genome position (GRCh38, 1-based): chr5:38,511,857, G>T on the plus strand (C>A on the coding strand, the complement: LIFR is on the minus strand). VCF-style: chr5-38511857-G-T. GRCh37 (hg19) VCF-style: chr5-38511959-G-T.
Other names: c.669C>A, p.Tyr223Ter (NM_001364297.2, NM_001364298.2, NM_002310.6); short protein forms Y223*.
Identifiers: ClinVar variation 4815029 (VCV004815029.2).

ClinVar aggregate classification (germline): Likely pathogenic (1 of 4 stars; one submission).

Conditions:
Stuve-Wiedemann syndrome (STWS). Also called: Stüve-Wiedemann syndrome. Identifiers: Orphanet 3206, MedGen C0796176, MONDO:0031280.

gnomAD v4.1: 3 of 1,614,108 alleles (0.00019%); highest among the groups gnomAD compares: Non-Finnish European, 0.00025%; no homozygotes.

Submission:

Natera, Inc.
Classification: Likely pathogenic for Stuve-Wiedemann syndrome. Last evaluated: 2024-04-17. Review status: criteria provided, single submitter. Criteria: Natera Variant Classification Schema (03/2026). Collection method: clinical testing. Allele origin: germline.
Comment: The c.669C>A variant in LIFR is a nonsense variant predicted to introduce a stop codon at amino acid 223. This variant is expected to result in nonsense mediated decay, truncation, or a dysfunctional protein product. This variant is rare in the general population with a frequency below the threshold expected for the associated phenotype(s). Given the available evidence, this variant is classified as Likely Pathogenic.